The following is an entry in ClinVar:

NM_003000.3(SDHB):c.287-12T>C

Gene: SDHB (succinate dehydrogenase complex iron sulfur subunit B; minus strand). Cytogenetic location: 1p36.13.
Variant type: single nucleotide variant.
Coding change: c.287-12T>C on transcript NM_003000.3 (MANE Select); 12 bases into the intron before coding-DNA position 287, T replaced by C.
Molecular consequence: intron variant.
Genome position (GRCh38, 1-based): chr1:17,028,748, A>G on the plus strand (T>C on the coding strand, the complement: SDHB is on the minus strand). VCF-style: chr1-17028748-A-G. GRCh37 (hg19) VCF-style: chr1-17355243-A-G.
Identifiers: ClinVar variation 1580145 (VCV001580145.12), dbSNP rs747263813, ClinGen allele CA089567.

ClinVar aggregate classification (germline): Likely benign. Review status: criteria provided, multiple submitters, no conflicts (2 of 4 stars). 5 submissions from 5 submitters: Likely benign (5). Last evaluated 2025-12-29.

Conditions:
Pheochromocytoma. Also called: MAX-Related Hereditary Paraganglioma-Pheochromocytoma Syndrome. Identifiers: Orphanet 29072, MedGen C0031511, MONDO:0008233, OMIM 171300, HP:0002666.
Pheochromocytoma/paraganglioma syndrome 4. Also called: CAROTID BODY TUMORS AND MULTIPLE EXTRAADRENAL PHEOCHROMOCYTOMAS; PARAGANGLIOMA, FAMILIAL MALIGNANT; PARAGANGLIOMAS, HEREDITARY EXTRAADRENAL; PHEOCHROMOCYTOMA, FAMILIAL EXTRAADRENAL; Paragangliomas 4; SDHB-Related Hereditary Paraganglioma-Pheochromocytoma Syndrome (Paragangliomas 4). Identifiers: Orphanet 29072, MedGen C1861848, MONDO:0007273, OMIM 115310.
Gastrointestinal stromal tumor. Also called: Gastrointestinal stromal tumor, somatic; Gastrointestinal stroma tumor. Identifiers: Orphanet 44890, MedGen C0238198, MeSH D046152, MONDO:0011719, OMIM 606764, HP:0100723.
Hereditary pheochromocytoma and paraganglioma. Also called: Hereditary Paraganglioma-Pheochromocytoma Syndromes; Hereditary pheochromocytoma-paraganglioma; Hereditary paragangliomas and pheochromocytomas. Identifiers: Orphanet 29072, MedGen C4274332, MONDO:0017366.

Allele frequency attached by ClinVar (database versions not stated): TOPMed below 0.00001; gnomAD exomes 0.00001; ExAC 0.00002.
gnomAD v4.1: 4 of 1,613,294 alleles (0.00025%); highest among the groups gnomAD compares: Non-Finnish European, 0.00034%; no homozygotes.

Submissions (5):

Center for Genomic Medicine, Rigshospitalet, Copenhagen University Hospital
Classification: Likely benign. Last evaluated: 2025-12-29. Review status: criteria provided, single submitter. Criteria: ACMG Guidelines, 2015. Collection method: clinical testing. Allele origin: germline.

Labcorp Genetics (formerly Invitae), Labcorp
Classification: Likely benign for Gastrointestinal stromal tumor; Pheochromocytoma/paraganglioma syndrome 4; Pheochromocytoma. Last evaluated: 2025-07-24. Review status: criteria provided, single submitter. Criteria: Invitae Variant Classification Sherloc (09022015). Collection method: clinical testing. Allele origin: germline.

Myriad Genetics, Inc.
Classification: Likely benign for Pheochromocytoma/paraganglioma syndrome 4. Last evaluated: 2025-03-12. Review status: criteria provided, single submitter. Criteria: Myriad Autosomal Dominant, Autosomal Recessive and X-Linked Classification Criteria (2023). Collection method: clinical testing. Allele origin: unknown.
Comment: This variant is considered likely benign. This variant is intronic and is not expected to impact mRNA splicing.

All of Us Research Program, National Institutes of Health
Classification: Likely benign for Hereditary pheochromocytoma and paraganglioma. Last evaluated: 2023-03-23. Review status: criteria provided, single submitter. Criteria: ACMG Guidelines, 2015. Collection method: clinical testing. Allele origin: germline. Inheritance: Autosomal dominant inheritance. Observed: 1 variant allele, 1 heterozygote.
Comment: This study involves interpretation of variants in research participants for the purpose of population health screening. Participant phenotype was not available at the time of variant classification. Additional details can be found in publication PMID: 35346344, PMCID: PMC8962531

Color Diagnostics, LLC DBA Color Health
Classification: Likely benign for Hereditary pheochromocytoma and paraganglioma. Last evaluated: 2022-10-28. Review status: criteria provided, single submitter. Criteria: ACMG Guidelines, 2015. Collection method: clinical testing. Allele origin: germline.